The following is an entry in ClinVar:

NM_000551.4(VHL):c.76G>A (p.Glu26Lys)

Gene: VHL (von Hippel-Lindau tumor suppressor; plus strand). Cytogenetic location: 3p25.3.
Variant type: single nucleotide variant.
Coding change: c.76G>A on transcript NM_000551.4 (MANE Select); coding-DNA position 76, G replaced by A.
Protein change: p.Glu26Lys; replaces glutamic acid 26 with lysine.
Molecular consequence: missense variant.
Genome position (GRCh38, 1-based): chr3:10,141,923, G>A. VCF-style: chr3-10141923-G-A. GRCh37 (hg19) VCF-style: chr3-10183607-G-A.
Other names: c.76G>A, p.Glu26Lys (NM_001354723.2, NM_198156.3); short protein forms E26K.
Identifiers: ClinVar variation 827208 (VCV000827208.4), dbSNP rs1575921209, ClinGen allele CA351747440.

ClinVar aggregate classification (germline): Uncertain significance (1 of 4 stars; one submission).

Conditions:
Hereditary cancer-predisposing syndrome. Also called: Neoplastic Syndromes, Hereditary; Tumor predisposition; Hereditary neoplastic syndrome; Hereditary Cancer Syndrome. Identifiers: Orphanet 140162, MedGen C0027672, MeSH D009386, MONDO:0015356.

Submission:

Ambry Genetics
Classification: Uncertain significance for Hereditary cancer-predisposing syndrome. Last evaluated: 2019-04-01. Review status: criteria provided, single submitter. Criteria: Ambry Variant Classification Scheme 2023. Collection method: clinical testing. Allele origin: germline.
Comment: The p.E26K variant (also known as c.76G>A), located in coding exon 1 of the VHL gene, results from a G to A substitution at nucleotide position 76. The glutamic acid at codon 26 is replaced by lysine, an amino acid with similar properties. This amino acid position highly conserved on limited sequence alignment. In addition, the in silico prediction for this alteration is inconclusive. Since supporting evidence is limited at this time, the clinical significance of this alteration remains unclear.

Literature cited by the submitters: PubMed 11793370.